The following is an entry in ClinVar:

ClinVar aggregate classification (germline): Uncertain significance (1 of 4 stars; one submission).

Conditions:
Arrhythmogenic right ventricular dysplasia 9 (ARVD9). Also called: Arrhythmogenic Right Ventricular Dysplasia/Cardiomyopathy 9; ARRHYTHMOGENIC RIGHT VENTRICULAR DYSPLASIA, FAMILIAL, 9. Identifiers: MedGen C1836906, MONDO:0012180, OMIM 609040.

Submission:

Labcorp Genetics (formerly Invitae), Labcorp
Classification: Uncertain significance for Arrhythmogenic right ventricular dysplasia 9. Last evaluated: 2025-03-15. Review status: criteria provided, single submitter. Criteria: Invitae Variant Classification Sherloc (09022015). Collection method: clinical testing. Allele origin: germline.
Comment: This sequence change replaces glycine, which is neutral and non-polar, with serine, which is neutral and polar, at codon 673 of the PKP2 protein (p.Gly673Ser). This variant is present in population databases (no rsID available, gnomAD 0.003%). This variant has not been reported in the literature in individuals affected with PKP2-related conditions. An algorithm developed to predict the effect of missense changes on protein structure and function (PolyPhen-2) suggests that this variant is likely to be disruptive. In summary, the available evidence is currently insufficient to determine the role of this variant in disease. Therefore, it has been classified as a Variant of Uncertain Significance.

NM_001005242.3(PKP2):c.1885G>A (p.Gly629Ser)

Gene: PKP2 (plakophilin 2; minus strand). Cytogenetic location: 12p11.21.
Variant type: single nucleotide variant.
Coding change: c.1885G>A on transcript NM_001005242.3 (MANE Select); coding-DNA position 1885, G replaced by A.
Protein change: p.Gly629Ser; replaces glycine 629 with serine.
Molecular consequence: missense variant.
Genome position (GRCh38, 1-based): chr12:32,821,484, C>T on the plus strand (G>A on the coding strand, the complement: PKP2 is on the minus strand). VCF-style: chr12-32821484-C-T. GRCh37 (hg19) VCF-style: chr12-32974418-C-T.
Other names: c.1885G>A, p.Gly629Ser (NM_001407155.1, NM_001407161.1); c.1720G>A, p.Gly574Ser (NM_001407156.1); c.2017G>A, p.Gly673Ser (NM_001407157.1, NM_004572.4); c.1558G>A, p.Gly520Ser (NM_001407158.1, NM_001407159.1, NM_001407160.1 and 1 more transcripts); short protein forms G520S, G574S, G629S, G673S.
Identifiers: ClinVar variation 4765759 (VCV004765759.1).
Genomic context (GRCh38, chr12:32,821,484, plus strand): 5'-TTTTGGCGATCAAGGACAGATACATCCTTATAACAATGGAATGCCACAGCCACTCCACGC[C>T]CTTGGGGTTGCTCTTTTCCTCCGGCATCGGCACGTCCTGGTATTGCTGACCACACACAAA-3'
Protein context (NP_001005242.2, residues 619-639): PMPEEKSNPK[Gly629Ser]VEWLWHSIVI